The following is an entry in ClinVar:

NM_031308.4(EPPK1):c.6224A>C (p.Gln2075Pro)

Gene: EPPK1 (epiplakin 1; minus strand). Cytogenetic location: 8q24.3.
Variant type: single nucleotide variant.
Coding change: c.6224A>C on transcript NM_031308.4 (MANE Select); coding-DNA position 6224, A replaced by C.
Protein change: p.Gln2075Pro; replaces glutamine 2075 with proline.
Molecular consequence: missense variant.
Genome position (GRCh38, 1-based): chr8:143,867,030, T>G on the plus strand (A>C on the coding strand, the complement: EPPK1 is on the minus strand). VCF-style: chr8-143867030-T-G. GRCh37 (hg19) VCF-style: chr8-144941198-T-G.
Other names: short protein forms Q2075P.
Identifiers: ClinVar variation 3053631 (VCV003053631.2), dbSNP rs79860671, ClinGen allele CA4921862.

ClinVar aggregate classification (germline): Benign (0 of 4 stars; one submission).

Conditions:
EPPK1-related disorder. Also called: EPPK1-related condition.

Allele frequency attached by ClinVar (database versions not stated): 1000 Genomes Project 0.00479; 1000 Genomes Project 30x 0.00531; TOPMed 0.00916; ExAC 0.01204; gnomAD 0.01219; ESP Exome Variant Server 0.01225; gnomAD exomes 0.01431.
gnomAD v4.1: 22,473 of 1,612,786 alleles (1.4%); highest among the groups gnomAD compares: Non-Finnish European, 1.7%; 251 homozygotes.

Submission:

PreventionGenetics, part of Exact Sciences
Classification: Benign for EPPK1-related condition. Last evaluated: 2022-01-31. Review status: no assertion criteria provided. Collection method: clinical testing. Allele origin: germline.
Comment: This variant is classified as benign based on ACMG/AMP sequence variant interpretation guidelines (Richards et al. 2015 PMID: 25741868, with internal and published modifications).